The following is an entry in ClinVar:

NM_000081.4(LYST):c.6188G>A (p.Arg2063Lys)

Gene: LYST (lysosomal trafficking regulator; minus strand). Cytogenetic location: 1q42.3.
Variant type: single nucleotide variant.
Coding change: c.6188G>A on transcript NM_000081.4 (MANE Select); coding-DNA position 6188, G replaced by A.
Protein change: p.Arg2063Lys; replaces arginine 2063 with lysine.
Molecular consequence: missense variant.
Genome position (GRCh38, 1-based): chr1:235,762,785, C>T on the plus strand (G>A on the coding strand, the complement: LYST is on the minus strand). VCF-style: chr1-235762785-C-T. GRCh37 (hg19) VCF-style: chr1-235926085-C-T.
Other names: c.6188G>A, p.Arg2063Lys (NM_001301365.1); short protein forms R2063K.
Identifiers: ClinVar variation 296389 (VCV000296389.11), dbSNP rs763604337, ClinGen allele CA1466425.
Genomic context (GRCh38, chr1:235,762,785, plus strand): 5'-TATGGTGAAGCAGTAAAACCAGATGGGCTTATTACCATAAATCCAGGGCTCATAAGGGAC[C>T]TTCCTCCACTGCTGGAATGCCTCAGGTACATGATTGACCGCACTTTCTCCTGAAAGATCT-3'
Protein context (NP_000072.2, residues 2053-2073): MYLRHSSSGG[Arg2063Lys]SLMSPGFMVI

ClinVar aggregate classification (germline): Uncertain significance. Review status: criteria provided, multiple submitters, no conflicts (2 of 4 stars). 2 submissions from 2 submitters: Uncertain significance (2). Last evaluated 2025-01-02.

Conditions:
Chédiak-Higashi syndrome (CHS). Also called: Chediak-Higashi Syndrome. Identifiers: Orphanet 167, MedGen C0007965, MONDO:0008963, OMIM 214500.

Allele frequency attached by ClinVar (database versions not stated): gnomAD 0.00001; ExAC 0.00002; gnomAD exomes 0.00002; TOPMed 0.00002.
gnomAD v4.1: 29 of 1,612,810 alleles (0.0018%); highest among the groups gnomAD compares: Non-Finnish European, 0.00017%; no homozygotes.

Submissions (2):

Labcorp Genetics (formerly Invitae), Labcorp
Classification: Uncertain significance for Chédiak-Higashi syndrome. Last evaluated: 2025-01-02. Review status: criteria provided, single submitter. Criteria: Invitae Variant Classification Sherloc (09022015). Collection method: clinical testing. Allele origin: germline.
Comment: This sequence change replaces arginine, which is basic and polar, with lysine, which is basic and polar, at codon 2063 of the LYST protein (p.Arg2063Lys). This variant is present in population databases (rs763604337, gnomAD 0.05%). This variant has not been reported in the literature in individuals affected with LYST-related conditions. ClinVar contains an entry for this variant (Variation ID: 296389). Invitae Evidence Modeling of protein sequence and biophysical properties (such as structural, functional, and spatial information, amino acid conservation, physicochemical variation, residue mobility, and thermodynamic stability) indicates that this missense variant is not expected to disrupt LYST protein function with a negative predictive value of 80%. In summary, the available evidence is currently insufficient to determine the role of this variant in disease. Therefore, it has been classified as a Variant of Uncertain Significance.

Illumina Laboratory Services, Illumina
Classification: Uncertain significance for Chédiak-Higashi syndrome. Last evaluated: 2018-01-12. Review status: criteria provided, single submitter. Criteria: ICSL Variant Classification Criteria 13 December 2019. Collection method: clinical testing. Allele origin: germline.